The following is an entry in ClinVar:

ClinVar aggregate classification (germline): Uncertain significance (1 of 4 stars; one submission).

gnomAD v4.1: 4 of 1,614,186 alleles (0.00025%); highest among the groups gnomAD compares: Admixed American, 0.0067%; no homozygotes.

Submission:

Women's Health and Genetics/Laboratory Corporation of America, LabCorp
Classification: Uncertain significance. Last evaluated: 2024-08-19. Review status: criteria provided, single submitter. Criteria: LabCorp Variant Classification Summary - May 2015. Collection method: clinical testing. Allele origin: germline.
Comment: Variant summary: CYP4F22 c.1351C>A (p.Arg451Ser) results in a non-conservative amino acid change in the encoded protein sequence. Five of five in-silico tools predict a damaging effect of the variant on protein function. The variant allele was found at a frequency of 1.2e-05 in 251478 control chromosomes. The available data on variant occurrences in the general population are insufficient to allow any conclusion about variant significance. To our knowledge, no occurrence of c.1351C>A in individuals affected with Lamellar Ichthyosis and no experimental evidence demonstrating its impact on protein function have been reported. No submitters have cited clinical-significance assessments for this variant to ClinVar. Based on the evidence outlined above, the variant was classified as uncertain significance.

NM_173483.4(CYP4F22):c.1351C>A (p.Arg451Ser)

Gene: CYP4F22 (cytochrome P450 family 4 subfamily F member 22; plus strand). Cytogenetic location: 19p13.12.
Variant type: single nucleotide variant.
Coding change: c.1351C>A on transcript NM_173483.4 (MANE Select); coding-DNA position 1351, C replaced by A.
Protein change: p.Arg451Ser; replaces arginine 451 with serine.
Molecular consequence: missense variant.
Genome position (GRCh38, 1-based): chr19:15,550,689, C>A. VCF-style: chr19-15550689-C-A. GRCh37 (hg19) VCF-style: chr19-15661500-C-A.
Other names: short protein forms R451S.
Identifiers: ClinVar variation 3366732 (VCV003366732.1).